The following is an entry in ClinVar:

NM_173660.5(DOK7):c.1033C>T (p.His345Tyr)

Gene: DOK7 (docking protein 7; plus strand). Cytogenetic location: 4p16.3.
Variant type: single nucleotide variant.
Coding change: c.1033C>T on transcript NM_173660.5 (MANE Select); coding-DNA position 1033, C replaced by T.
Protein change: p.His345Tyr; replaces histidine 345 with tyrosine.
Molecular consequence: missense variant. On other transcripts: 3 prime UTR variant (1).
Genome position (GRCh38, 1-based): chr4:3,493,019, C>T. VCF-style: chr4-3493019-C-T. GRCh37 (hg19) VCF-style: chr4-3494746-C-T.
Other names: c.*254C>T (NM_001164673.2); c.103C>T, p.His35Tyr (NM_001256896.2); c.1033C>T, p.His345Tyr (NM_001301071.2); c.601C>T, p.His201Tyr (NM_001363811.2); c.1033C>T (NM_173660.4); short protein forms H201Y, H345Y, H35Y.
Identifiers: ClinVar variation 1930310 (VCV001930310.3), dbSNP rs548282281, ClinGen allele CA91556713.
Genomic context (GRCh38, chr4:3,493,019, plus strand): 5'-CGGCAGCTGCAGGAGGTTGGCCGCCAGAGCTCCTCGGACAGCGGCATCGCCACTGGCAGC[C>T]ACTCCTCTTACTCCAGCAGCCTCTCGTCCTACGCGGGCAGCAGCCTGGACGTGTGGCGGG-3'
Protein context (NP_775931.3, residues 335-355): SSDSGIATGS[His345Tyr]SSYSSSLSSY

ClinVar aggregate classification (germline): Uncertain significance. Review status: criteria provided, multiple submitters, no conflicts (2 of 4 stars). 2 submissions from 2 submitters: Uncertain significance (2). Last evaluated 2025-07-15.

Conditions:
Inborn genetic diseases. Identifiers: MedGen C0950123, MeSH D030342.
Congenital myasthenic syndrome 10. Also called: Myasthenia, limb-girdle, familial. Identifiers: Orphanet 590, MedGen C1850792, MONDO:0009690, OMIM 254300.
Fetal akinesia deformation sequence 1 (FADS1). Also called: Fetal akinesia sequence; Pena-Shokeir syndrome type I. Identifiers: Orphanet 994, MedGen C1276035, MONDO:0100101, OMIM 208150, HP:0001989.

Allele frequency attached by ClinVar (database versions not stated): gnomAD exomes 0.00003; TOPMed 0.00003.
gnomAD v4.1: 40 of 1,568,384 alleles (0.0026%); highest among the groups gnomAD compares: Non-Finnish European, 0.0033%; no homozygotes.

Submissions (2):

Ambry Genetics
Classification: Uncertain significance for Inborn genetic diseases. Last evaluated: 2025-07-15. Review status: criteria provided, single submitter. Criteria: Ambry Variant Classification Scheme 2023. Collection method: clinical testing. Allele origin: germline.

Labcorp Genetics (formerly Invitae), Labcorp
Classification: Uncertain significance for Congenital myasthenic syndrome 10; Fetal akinesia deformation sequence 1. Last evaluated: 2022-10-05. Review status: criteria provided, single submitter. Criteria: Invitae Variant Classification Sherloc (09022015). Collection method: clinical testing. Allele origin: germline.
Comment: This sequence change replaces histidine, which is basic and polar, with tyrosine, which is neutral and polar, at codon 345 of the DOK7 protein (p.His345Tyr). The frequency data for this variant in the population databases is considered unreliable, as metrics indicate poor data quality at this position in the gnomAD database. This variant has not been reported in the literature in individuals affected with DOK7-related conditions. Algorithms developed to predict the effect of missense changes on protein structure and function are either unavailable or do not agree on the potential impact of this missense change (SIFT: "Deleterious"; PolyPhen-2: "Possibly Damaging"; Align-GVGD: "Class C0"). In summary, the available evidence is currently insufficient to determine the role of this variant in disease. Therefore, it has been classified as a Variant of Uncertain Significance.